The following is an entry in ClinVar:

NC_000003.11:g.(?_52010900)_(52019232_?)del

Genes: ABHD14A (abhydrolase domain containing 14A; plus strand), ACY1 (aminoacylase 1; plus strand). Cytogenetic location: 3p21.2.
Variant type: Deletion.
Identifiers: ClinVar variation 2423345 (VCV002423345.4).

ClinVar aggregate classification (germline): Uncertain significance (1 of 4 stars; one submission).

Submission:

Labcorp Genetics (formerly Invitae), Labcorp
Classification: Uncertain significance. Last evaluated: 2022-04-27. Review status: criteria provided, single submitter. Criteria: Invitae Variant Classification Sherloc (09022015). Collection method: clinical testing. Allele origin: germline.
Comment: In summary, the available evidence is currently insufficient to determine the role of this variant in disease. Therefore, it has been classified as a Variant of Uncertain Significance. This variant has not been reported in the literature in individuals affected with ACY1-related conditions. This variant results in the deletion of exons 1-2 and part of exon 3 (c.-6724_105del) of the ACY1 gene. It is expected to result in an absent or disrupted protein product. However, the current clinical and genetic evidence is not sufficient to establish whether loss-of-function variants in ACY1 cause disease.